The following is an entry in ClinVar:

ClinVar aggregate classification (germline): Pathogenic (1 of 4 stars; one submission).

Conditions:
Dilated cardiomyopathy 1KK (CMD1KK). Identifiers: Orphanet 154, Orphanet 75249, MedGen C3714995, MONDO:0014100, OMIM 615248.

Submission:

Labcorp Genetics (formerly Invitae), Labcorp
Classification: Pathogenic for Dilated cardiomyopathy 1KK. Last evaluated: 2023-09-08. Review status: criteria provided, single submitter. Criteria: Invitae Variant Classification Sherloc (09022015). Collection method: clinical testing. Allele origin: germline.
Comment: This sequence change creates a premature translational stop signal (p.Gln572Asnfs*12) in the MYPN gene. It is expected to result in an absent or disrupted protein product. Loss-of-function variants in MYPN are known to be pathogenic (PMID: 28017374). For these reasons, this variant has been classified as Pathogenic. This variant has not been reported in the literature in individuals affected with MYPN-related conditions. This variant is not present in population databases (gnomAD no frequency).

Literature cited by the submitters: PubMed 28017374.

NM_032578.4(MYPN):c.1714del (p.Gln572fs)

Gene: MYPN (myopalladin; plus strand). Cytogenetic location: 10q21.3.
Variant type: Deletion.
Coding change: c.1714del on transcript NM_032578.4 (MANE Select); coding-DNA position 1714, one base deleted (C; older notation c.1714delC).
Protein change: p.Gln572fs; shifts the reading frame from glutamine 572.
Molecular consequence: frameshift variant. On other transcripts: non-coding transcript variant (2).
Genome position (GRCh38, 1-based): chr10:68,166,407, C deleted. VCF-style (leftmost placement, unchanged base first): chr10-68166406-AC-A. GRCh37 (hg19) VCF-style: chr10-69926163-AC-A.
Other names: c.1714del, p.Gln572fs (NM_001256267.2); c.832del, p.Gln278fs (NM_001256268.2); short protein forms Q278fs, Q572fs.
Identifiers: ClinVar variation 2756706 (VCV002756706.3), dbSNP rs2495735152, ClinGen allele CA2697558397.
Genomic context (GRCh38, chr10:68,166,406, plus strand): 5'-CAACCTGGCAGCTATTGAGCCACAGCCCTCCCCACCCCACTCAGAGCCTCCATCTGTGGA[AC>A]AACCCCCCAAACCCAAACTCGAGGGGGTTCTGGTGAACCACAATGAGCCCCGGTCCAGCT-3'